The following is an entry in ClinVar:

ClinVar aggregate classification (germline): Conflicting classifications of pathogenicity. Review status: criteria provided, conflicting classifications (1 of 4 stars). 3 submissions from 3 submitters: Pathogenic (1); Uncertain significance (1); Likely benign (1). Last evaluated 2026-09-01.

Conditions:
PKD1-related disorder. Also called: PKD1-related condition.
Polycystic kidney disease, adult type (PKD1). Also called: POLYCYSTIC KIDNEY DISEASE, ADULT, TYPE I; Polycystic Kidney Disease 1, Autosomal Dominant; Polycystic kidney disease 1; Polycystic kidney disease 1, severe; Polycystic Kidney, Autosomal Dominant; POLYCYSTIC KIDNEY DISEASE 1 WITH OR WITHOUT POLYCYSTIC LIVER DISEASE. Identifiers: MedGen C3149841, MONDO:0008263, OMIM 173900.

Allele frequency attached by ClinVar (database versions not stated): gnomAD 0.00005; TOPMed 0.00008; ExAC 0.00010; gnomAD exomes 0.00015.
gnomAD v4.1: 224 of 1,608,248 alleles (0.014%); highest among the groups gnomAD compares: Non-Finnish European, 0.017%; no homozygotes.

Submissions (3):

PreventionGenetics, part of Exact Sciences
Classification: Uncertain significance for PKD1-related condition. Last evaluated: 2026-09-01. Review status: criteria provided, single submitter. Criteria: ACMG Guidelines, 2015. Collection method: clinical testing. Allele origin: germline.
Comment: The PKD1 c.5431G>A variant is predicted to result in the amino acid substitution p.Glu1811Lys. This variant has been reported in the heterozygous state in two apparently unrelated individuals with polycystic kidney disease (Rossetti et al. 2002 PubMed ID: 11967008; Bullich et al. 2018. PubMed ID: 29801666). However, one of these individuals also had a truncating variant in PKD2, and no genetic or functional evidence was provided to support causation for the PKD1 c.5431G>A (p.Glu1811Lys) variant. This variant is listed as “indeterminate” in an ADPKD-specific variant database. This variant is reported in 0.0056% of alleles in individuals of European (Non-Finnish) descent in gnomAD. Although we suspect that this variant may be benign, at this time, the clinical significance of this variant is uncertain due to the absence of conclusive functional and genetic evidence.

Molecular Genetics and NGS Laboratory, Hospital Fundacion Valle Del Lili
Classification: Pathogenic for Polycystic kidney disease, adult type. Last evaluated: 2026-01-28. Review status: criteria provided, single submitter. Criteria: ACMG Guidelines, 2015. Collection method: clinical testing. Allele origin: unknown. Inheritance: Autosomal dominant inheritance. Affected: yes. Observed: 1 heterozygote.
Comment: Although in silico prediction tools classify this variant as benign (BP4: AlphaMissense score = 0.0805, below the benign threshold of 0.0853, supporting a strong benign interpretation), the aforementioned clinical and genetic evidence suggests that the variant should be reclassified as pathogenic. This interpretation is supported by the following American College of Medical Genetics and Genomics (ACMG) criteria: PS4: The prevalence of the variant in affected individuals is significantly increased compared with its prevalence in controls (doi:10.1016/S0140-6736(03)13773-7). PM2: The variant is absent from population databases in the homozygous state (gnomAD genomes homozygous allele count = 0, < 2 for AD/AR gene PKD1; adequate genome coverage = 33.0×. gnomAD exomes homozygous allele count = 0, < 2; adequate exome coverage = 52.1×). PP4: The patient’s phenotype and/or family history is highly specific for a disorder with a single genetic etiology.

Blueprint Genetics
Classification: Likely benign. Last evaluated: 2024-07-12. Review status: criteria provided, single submitter. Criteria: ACMG Guidelines, 2015. Collection method: clinical testing. Allele origin: germline.

Literature cited by the submitters: DOI 10.1046/j.1523-1755.2002.00326.x (cited by Molecular Genetics and NGS Laboratory, Hospital Fundacion Valle Del Lili); DOI 10.1016/S0140-6736(03)13773-7 (cited by Molecular Genetics and NGS Laboratory, Hospital Fundacion Valle Del Lili).

NM_001009944.3(PKD1):c.5431G>A (p.Glu1811Lys)

Gene: PKD1 (polycystin 1, transient receptor potential channel interacting; minus strand). Cytogenetic location: 16p13.3.
Variant type: single nucleotide variant.
Coding change: c.5431G>A on transcript NM_001009944.3 (MANE Select); coding-DNA position 5431, G replaced by A.
Protein change: p.Glu1811Lys; replaces glutamic acid 1811 with lysine.
Molecular consequence: missense variant.
Genome position (GRCh38, 1-based): chr16:2,109,736, C>T on the plus strand (G>A on the coding strand, the complement: PKD1 is on the minus strand). VCF-style: chr16-2109736-C-T. GRCh37 (hg19) VCF-style: chr16-2159737-C-T.
Other names: p.Glu1811Lys; c.5431G>A, p.Glu1811Lys (NM_000296.4); short protein forms E1811K.
Identifiers: ClinVar variation 3035778 (VCV003035778.5), dbSNP rs778028644, ClinGen allele CA7831988.